The following is an entry in ClinVar:

ClinVar aggregate classification (germline): Benign/Likely benign. Review status: criteria provided, multiple submitters, no conflicts (2 of 4 stars). 5 submissions from 5 submitters: Benign (1); Likely benign (4). Last evaluated 2024-05-09.

Conditions:
Hereditary cancer-predisposing syndrome. Also called: Hereditary neoplastic syndrome; Tumor predisposition; Neoplastic Syndromes, Hereditary; Hereditary Cancer Syndrome. Identifiers: Orphanet 140162, MedGen C0027672, MeSH D009386, MONDO:0015356.
Familial cancer of breast. Also called: Hereditary breast cancer; BREAST CANCER, FAMILIAL; hereditary breast carcinoma. Identifiers: Orphanet 227535, MedGen C0346153, MONDO:0016419, OMIM 114480. Disease mechanism: loss of function.
Ataxia-telangiectasia syndrome (AT). Also called: LOUIS-BAR SYNDROME; ATAXIA-TELANGIECTASIA, COMPLEMENTATION GROUP A; ATAXIA-TELANGIECTASIA, FRESNO VARIANT; Ataxia-telangiectasia; Ataxia telangiectasia (A-T); Cerebello-oculocutaneous telangiectasia. Identifiers: Orphanet 100, MedGen C0004135, MONDO:0008840, OMIM 208900.

Allele frequency attached by ClinVar (database versions not stated): gnomAD exomes below 0.00001; gnomAD 0.00001; TOPMed 0.00001.
gnomAD v4.1: 2 of 1,613,982 alleles (0.00012%); highest among the groups gnomAD compares: Non-Finnish European, 0.00017%; no homozygotes.

Submissions (5):

Myriad Genetics, Inc.
Classification: Benign for Familial cancer of breast. Last evaluated: 2024-05-09. Review status: criteria provided, single submitter. Criteria: Myriad Autosomal Dominant, Autosomal Recessive and X-Linked Classification Criteria (2023). Collection method: clinical testing. Allele origin: unknown.
Comment: This variant is considered benign. This variant is a silent/synonymous amino acid change and it is not expected to impact splicing.

Labcorp Genetics (formerly Invitae), Labcorp
Classification: Likely benign for Ataxia-telangiectasia syndrome. Last evaluated: 2024-02-19. Review status: criteria provided, single submitter. Criteria: Invitae Variant Classification Sherloc (09022015). Collection method: clinical testing. Allele origin: germline.

Ambry Genetics
Classification: Likely benign for Hereditary cancer-predisposing syndrome. Last evaluated: 2019-10-31. Review status: criteria provided, single submitter. Criteria: Ambry Variant Classification Scheme 2023. Collection method: clinical testing. Allele origin: germline.

Color Diagnostics, LLC DBA Color Health
Classification: Likely benign for Hereditary cancer-predisposing syndrome. Last evaluated: 2016-05-10. Review status: criteria provided, single submitter. Criteria: ACMG Guidelines, 2015. Collection method: clinical testing. Allele origin: germline.

GeneDx
Classification: Likely benign. Last evaluated: 2015-11-25. Review status: criteria provided, single submitter. Criteria: GeneDx Variant Classification (06012015). Collection method: clinical testing. Allele origin: germline. Affected: yes.
Comment: This variant is considered likely benign or benign based on one or more of the following criteria: it is a conservative change, it occurs at a poorly conserved position in the protein, it is predicted to be benign by multiple in silico algorithms, and/or has population frequency not consistent with disease.

NM_000051.4(ATM):c.2589T>C (p.Asp863=)

Gene: ATM (ATM serine/threonine kinase; plus strand). Cytogenetic location: 11q22.3.
Variant type: single nucleotide variant.
Coding change: c.2589T>C on transcript NM_000051.4 (MANE Select); coding-DNA position 2589, T replaced by C.
Protein change: p.Asp863=; no amino-acid change (aspartic acid 863 retained).
Molecular consequence: synonymous variant.
Genome position (GRCh38, 1-based): chr11:108,267,293, T>C. VCF-style: chr11-108267293-T-C. GRCh37 (hg19) VCF-style: chr11-108138020-T-C.
Other names: c.2589T>C, p.Asp863= (NM_001351834.2).
Identifiers: ClinVar variation 377507 (VCV000377507.14), dbSNP rs1057520227, ClinGen allele CA16605775.